The following is an entry in ClinVar:

ClinVar aggregate classification (germline): Uncertain significance (1 of 4 stars; one submission).

Conditions:
Cardiovascular phenotype. Identifiers: MedGen CN230736.

Allele frequency attached by ClinVar (database versions not stated): TOPMed 0.00001 and 0.00002; gnomAD exomes below 0.00001; ExAC 0.00001.

Submission:

Ambry Genetics
Classification: Uncertain significance for Cardiovascular phenotype. Last evaluated: 2025-01-27. Review status: criteria provided, single submitter. Criteria: Ambry Variant Classification Scheme 2023. Collection method: clinical testing. Allele origin: germline.
Comment: The p.G1979D variant (also known as c.5936G>A), located in coding exon 26 of the APOB gene, results from a G to A substitution at nucleotide position 5936. The glycine at codon 1979 is replaced by aspartic acid, an amino acid with similar properties. This amino acid position is conserved. In addition, this alteration is predicted to be tolerated by in silico analysis. Based on the available evidence, the clinical significance of this variant remains unclear.

NM_000384.3(APOB):c.5936G>A (p.Gly1979Asp)

Gene: APOB (apolipoprotein B; minus strand). Cytogenetic location: 2p24.1.
Variant type: single nucleotide variant.
Coding change: c.5936G>A on transcript NM_000384.3 (MANE Select); coding-DNA position 5936, G replaced by A.
Protein change: p.Gly1979Asp; replaces glycine 1979 with aspartic acid.
Molecular consequence: missense variant.
Genome position (GRCh38, 1-based): chr2:21,010,932, C>T on the plus strand (G>A on the coding strand, the complement: APOB is on the minus strand). VCF-style: chr2-21010932-C-T. GRCh37 (hg19) VCF-style: chr2-21233804-C-T.
Other names: short protein forms G1979D.
Identifiers: ClinVar variation 3884706 (VCV003884706.1), dbSNP rs199693250.